The following is an entry in ClinVar:

ClinVar aggregate classification (germline): Uncertain significance (1 of 4 stars; one submission).

Submission:

Ambry Genetics
Classification: Uncertain significance. Last evaluated: 2024-11-26. Review status: criteria provided, single submitter. Criteria: Ambry Variant Classification Scheme 2023. Collection method: clinical testing. Allele origin: germline.
Comment: The p.N281Y variant (also known as c.841A>T), located in coding exon 1 of the MC1R gene, results from an A to T substitution at nucleotide position 841. The asparagine at codon 281 is replaced by tyrosine, an amino acid with dissimilar properties. This amino acid position is conserved. In addition, this alteration is predicted to be tolerated by in silico analysis. Based on the available evidence, the clinical significance of this variant remains unclear.

NM_002386.4(MC1R):c.841A>T (p.Asn281Tyr)

Gene: MC1R (melanocortin 1 receptor; plus strand). Cytogenetic location: 16q24.3.
Variant type: single nucleotide variant.
Coding change: c.841A>T on transcript NM_002386.4 (MANE Select); coding-DNA position 841, A replaced by T.
Protein change: p.Asn281Tyr; replaces asparagine 281 with tyrosine.
Molecular consequence: missense variant.
Genome position (GRCh38, 1-based): chr16:89,920,099, A>T. VCF-style: chr16-89920099-A-T. GRCh37 (hg19) VCF-style: chr16-89986507-A-T.
Other names: short protein forms N281Y.
Identifiers: ClinVar variation 3543973 (VCV003543973.1).
Genomic context (GRCh38, chr16:89,920,099, plus strand): 5'-CTCACACTCATCGTCCTCTGCCCCGAGCACCCCACGTGCGGCTGCATCTTCAAGAACTTC[A>T]ACCTCTTTCTCGCCCTCATCATCTGCAATGCCATCATCGACCCCCTCATCTACGCCTTCC-3'
Protein context (NP_002377.4, residues 271-291): PTCGCIFKNF[Asn281Tyr]LFLALIICNA